The following is an entry in ClinVar:

NM_005591.4(MRE11):c.488A>T (p.Asp163Val)

Gene: MRE11 (MRE11 double strand break repair nuclease; minus strand). Cytogenetic location: 11q21.
Variant type: single nucleotide variant.
Coding change: c.488A>T on transcript NM_005591.4 (MANE Select); coding-DNA position 488, A replaced by T.
Protein change: p.Asp163Val; replaces aspartic acid 163 with valine.
Molecular consequence: missense variant.
Genome position (GRCh38, 1-based): chr11:94,478,791, T>A on the plus strand (A>T on the coding strand, the complement: MRE11 is on the minus strand). VCF-style: chr11-94478791-T-A. GRCh37 (hg19) VCF-style: chr11-94211957-T-A.
Other names: c.488A>T, p.Asp163Val (NM_001330347.2, NM_005590.4); short protein forms D163V.
Identifiers: ClinVar variation 3295824 (VCV003295824.1).
Genomic context (GRCh38, chr11:94,478,791, plus strand): 5'-TTACCTAAACCATATAGCGCAATCTTTGTGCTTCCTTTTTGAAGCAAAACCGGACTAATG[T>A]CTATCTTCTCCACAGACATTGAACGTCCAAAGTGATTTACAAATCCAGCACAACTTAAAA-3'
Protein context (NP_005582.1, residues 153-173): FGRSMSVEKI[Asp163Val]ISPVLLQKGS

ClinVar aggregate classification (germline): Uncertain significance (1 of 4 stars; one submission).

Conditions:
Hereditary cancer-predisposing syndrome. Also called: Tumor predisposition; Hereditary Cancer Syndrome; Hereditary neoplastic syndrome; Neoplastic Syndromes, Hereditary. Identifiers: Orphanet 140162, MedGen C0027672, MeSH D009386, MONDO:0015356.

Submission:

Ambry Genetics
Classification: Uncertain significance for Hereditary cancer-predisposing syndrome. Last evaluated: 2024-05-12. Review status: criteria provided, single submitter. Criteria: Ambry Variant Classification Scheme 2023. Collection method: clinical testing. Allele origin: germline.
Comment: The p.D163V variant (also known as c.488A>T), located in coding exon 5 of the MRE11A gene, results from an A to T substitution at nucleotide position 488. The aspartic acid at codon 163 is replaced by valine, an amino acid with highly dissimilar properties. This amino acid position is conserved. In addition, the in silico prediction for this alteration is inconclusive. Based on the available evidence, the clinical significance of this variant remains unclear.